The following is an entry in ClinVar:

NM_012418.4(FSCN2):c.138G>T (p.Trp46Cys)

Gene: FSCN2 (fascin actin-bundling protein 2, retinal; plus strand). Cytogenetic location: 17q25.3.
Variant type: single nucleotide variant.
Coding change: c.138G>T on transcript NM_012418.4 (MANE Select); coding-DNA position 138, G replaced by T.
Protein change: p.Trp46Cys; replaces tryptophan 46 with cysteine.
Molecular consequence: missense variant.
Genome position (GRCh38, 1-based): chr17:81,528,669, G>T. VCF-style: chr17-81528669-G-T. GRCh37 (hg19) VCF-style: chr17-79495695-G-T.
Other names: c.138G>T, p.Trp46Cys (NM_001077182.3); short protein forms W46C.
Identifiers: ClinVar variation 954497 (VCV000954497.7), dbSNP rs376138127, ClinGen allele CA8836594.

ClinVar aggregate classification (germline): Uncertain significance (1 of 4 stars; one submission).

Allele frequency attached by ClinVar (database versions not stated): gnomAD 0.00001; gnomAD exomes 0.00001 and 0.00007; ExAC 0.00003; TOPMed 0.00003; ESP Exome Variant Server 0.00008.
gnomAD v4.1: 107 of 1,602,038 alleles (0.0067%); highest among the groups gnomAD compares: Non-Finnish European, 0.0084%; no homozygotes.

Submission:

Labcorp Genetics (formerly Invitae), Labcorp
Classification: Uncertain significance. Last evaluated: 2025-03-31. Review status: criteria provided, single submitter. Criteria: Invitae Variant Classification Sherloc (09022015). Collection method: clinical testing. Allele origin: germline.
Comment: This sequence change replaces tryptophan, which is neutral and slightly polar, with cysteine, which is neutral and slightly polar, at codon 46 of the FSCN2 protein (p.Trp46Cys). This variant is present in population databases (rs376138127, gnomAD 0.003%). This variant has not been reported in the literature in individuals affected with FSCN2-related conditions. ClinVar contains an entry for this variant (Variation ID: 954497). An algorithm developed to predict the effect of missense changes on protein structure and function (PolyPhen-2) suggests that this variant is likely to be disruptive. In summary, the available evidence is currently insufficient to determine the role of this variant in disease. Therefore, it has been classified as a Variant of Uncertain Significance.